The following is an entry in ClinVar:

ClinVar aggregate classification (germline): Conflicting classifications of pathogenicity. Review status: criteria provided, conflicting classifications (1 of 4 stars). 6 submissions from 6 submitters: Uncertain significance (1); Benign (3); Likely benign (2). Last evaluated 2026-06-22.

Conditions:
Hereditary cancer-predisposing syndrome. Also called: Neoplastic Syndromes, Hereditary; Tumor predisposition; Hereditary Cancer Syndrome; Hereditary neoplastic syndrome. Identifiers: Orphanet 140162, MedGen C0027672, MeSH D009386, MONDO:0015356.
Retinoblastoma (RB1). Also called: RETINOBLASTOMA, SOMATIC. Identifiers: Orphanet 790, MedGen C0035335, MeSH D012175, MONDO:0008380, OMIM 180200, HP:0009919. Disease mechanism: loss of function. Inheritance: Both sporadic and heritable forms are tested..
RB1-related disorder. Also called: RB1-related condition.

Allele frequency attached by ClinVar (database versions not stated): ExAC 0.00004; gnomAD exomes 0.00004 and 0.00006; gnomAD 0.00001; TOPMed 0.00002.
gnomAD v4.1: 23 of 1,613,898 alleles (0.0014%); highest among the groups gnomAD compares: Admixed American, 0.032%; no homozygotes.

Submissions (6):

Myriad Genetics, Inc.
Classification: Likely benign for Retinoblastoma. Last evaluated: 2026-06-22. Review status: criteria provided, single submitter. Criteria: Myriad Autosomal Dominant, Autosomal Recessive and X-Linked Classification Criteria (2023). Collection method: clinical testing. Allele origin: unknown.
Comment: This variant is considered likely benign. This variant is intronic and is not expected to impact mRNA splicing.

PreventionGenetics, part of Exact Sciences
Classification: Likely benign for RB1-related condition. Last evaluated: 2026-01-06. Review status: criteria provided, single submitter. Criteria: ACMG Guidelines, 2015. Collection method: clinical testing. Allele origin: germline.
Comment: This variant is classified as likely benign based on ACMG/AMP sequence variant interpretation guidelines (Richards et al. 2015 PMID: 25741868, with internal and published modifications).

Labcorp Genetics (formerly Invitae), Labcorp
Classification: Benign for Retinoblastoma. Last evaluated: 2026-01-05. Review status: criteria provided, single submitter. Criteria: Invitae Variant Classification Sherloc (09022015). Collection method: clinical testing. Allele origin: germline.

GeneDx
Classification: Uncertain significance. Last evaluated: 2025-09-16. Review status: criteria provided, single submitter. Criteria: GeneDx Variant Classification Process June 2021. Collection method: clinical testing. Allele origin: germline. Affected: yes.
Comment: Has not been previously published as pathogenic or benign to our knowledge; In silico analysis suggests that this variant does not alter splicing

Color Diagnostics, LLC DBA Color Health
Classification: Benign for Retinoblastoma. Last evaluated: 2022-04-29. Review status: criteria provided, single submitter. Criteria: ACMG Guidelines, 2015. Collection method: clinical testing. Allele origin: germline.

Ambry Genetics
Classification: Benign for Hereditary cancer-predisposing syndrome. Last evaluated: 2022-04-20. Review status: criteria provided, single submitter. Criteria: Ambry Variant Classification Scheme 2023. Collection method: clinical testing. Allele origin: germline.

NM_000321.3(RB1):c.1815-5T>C

Gene: RB1 (RB transcriptional corepressor 1; plus strand). Cytogenetic location: 13q14.2.
Variant type: single nucleotide variant.
Coding change: c.1815-5T>C on transcript NM_000321.3 (MANE Select); 5 bases into the intron before coding-DNA position 1815, T replaced by C.
Molecular consequence: intron variant.
Genome position (GRCh38, 1-based): chr13:48,456,199, T>C. VCF-style: chr13-48456199-T-C. GRCh37 (hg19) VCF-style: chr13-49030335-T-C.
Identifiers: ClinVar variation 704738 (VCV000704738.17), dbSNP rs770160524, ClinGen allele CA032745.